The following is an entry in ClinVar:

ClinVar aggregate classification (germline): Likely benign (1 of 4 stars; one submission).

Conditions:
NRP1-related disorder. Also called: NRP1-related condition.

gnomAD v4.1: 4 of 1,613,766 alleles (0.00025%); highest among the groups gnomAD compares: South Asian, 0.0044%; no homozygotes.

Submission:

PreventionGenetics, part of Exact Sciences
Classification: Likely benign for NRP1-related condition. Last evaluated: 2024-10-08. Review status: criteria provided, single submitter. Criteria: ACMG Guidelines, 2015. Collection method: clinical testing. Allele origin: germline.
Comment: This variant is classified as likely benign based on ACMG/AMP sequence variant interpretation guidelines (Richards et al. 2015 PMID: 25741868, with internal and published modifications).

NM_003873.7(NRP1):c.1935A>C (p.Thr645=)

Gene: NRP1 (neuropilin 1; minus strand). Cytogenetic location: 10p11.22.
Variant type: single nucleotide variant.
Coding change: c.1935A>C on transcript NM_003873.7 (MANE Select); coding-DNA position 1935, A replaced by C.
Protein change: p.Thr645=; no amino-acid change (threonine 645 retained).
Molecular consequence: synonymous variant. On other transcripts: non-coding transcript variant (1).
Genome position (GRCh38, 1-based): chr10:33,192,408, T>G on the plus strand (A>C on the coding strand, the complement: NRP1 is on the minus strand). VCF-style: chr10-33192408-T-G. GRCh37 (hg19) VCF-style: chr10-33481336-T-G.
Other names: c.1914A>C, p.Thr638= (NM_001244972.2, NM_001244973.2); c.1935A>C, p.Thr645= (NM_001330068.2).
Identifiers: ClinVar variation 4997452 (VCV004997452.1).
Genomic context (GRCh38, chr10:33,192,408, plus strand): 5'-ATGTTCCCAGTGGCAGAAGGTCTTGTGAGAGCCCCAGCCAAATTCACAGTTAAAACCATA[T>G]GTTGGAAACTCTTCAGTGGGTGGGAAGTAAAAATAAGAGACAAGCAAAGAAAGGCAAATT-3'
Protein context (NP_003864.5, residues 635-655): IDSTIQSEFP[Thr645=]YGFNCEFGWG